The following is an entry in ClinVar:

NM_002890.3(RASA1):c.261_262del (p.Gly89fs)

Gene: RASA1 (RAS p21 protein activator 1; plus strand). Cytogenetic location: 5q14.3.
Variant type: Deletion.
Coding change: c.261_262del on transcript NM_002890.3 (MANE Select); coding-DNA positions 261 to 262, 2 bases deleted (AG; older notation c.261_262delAG).
Protein change: p.Gly89fs; shifts the reading frame from glycine 89.
Molecular consequence: frameshift variant.
Genome position (GRCh38, 1-based): chr5:87,268,712-87,268,713, AG deleted. VCF-style (leftmost placement, unchanged base first): chr5-87268711-CAG-C. GRCh37 (hg19) VCF-style: chr5-86564528-CAG-C.
Other names: c.261_262del (NM_002890.2); short protein forms G89fs.
Identifiers: ClinVar variation 503721 (VCV000503721.19), dbSNP rs1384480619, ClinGen allele CA658796541.

ClinVar aggregate classification (germline): Pathogenic. Review status: criteria provided, multiple submitters, no conflicts (2 of 4 stars). 8 submissions from 8 submitters: Pathogenic (6). 2 of the submissions do not count toward it. Last evaluated 2025-07-16.

Conditions:
RASA1-related disorder. Also called: RASA1-related condition.
Capillary malformation-arteriovenous malformation syndrome. Also called: Capillary malformation-arteriovenous malformation. Identifiers: Orphanet 137667, MedGen C1842180, MONDO:0012016.
Capillary malformation-arteriovenous malformation 1 (CMAVM1). Identifiers: Orphanet 137667, Orphanet 693907, MedGen C4747394, MONDO:0020783, OMIM 608354.

Allele frequency attached by ClinVar (database versions not stated): TOPMed below 0.00001; gnomAD 0.00001.

Submissions (8):

PreventionGenetics, part of Exact Sciences
Classification: Pathogenic for RASA1-related condition. Last evaluated: 2025-07-16. Review status: criteria provided, single submitter. Criteria: ACMG Guidelines, 2015. Collection method: clinical testing. Allele origin: germline.
Comment: The RASA1 c.261_262delAG variant is predicted to result in a frameshift and premature protein termination (p.Gly89Argfs*22). This variant has been reported in the heterozygous state in patients with capillary malformation-arteriovenous malformation (CM-AVM) (Wooderchak-Donahue et al. 2018. PubMed ID: 29891884; Supplementary Table 1, Saliou et al. 2017. PubMed ID: 29171923). This variant has also been reported as de novo in a fetus who had an abnormality of the cerebral vasculature (Marangoni et al. 2021. PubMed ID: 34906519). This variant has not been reported in a large population database, indicating this variant is rare. Frameshift variants in RASA1 are expected to be pathogenic. This variant is interpreted as pathogenic.

Labcorp Genetics (formerly Invitae), Labcorp
Classification: Pathogenic for Capillary malformation-arteriovenous malformation syndrome. Last evaluated: 2024-07-16. Review status: criteria provided, single submitter. Criteria: Invitae Variant Classification Sherloc (09022015). Collection method: clinical testing. Allele origin: germline.
Comment: This sequence change creates a premature translational stop signal (p.Gly89Argfs*22) in the RASA1 gene. It is expected to result in an absent or disrupted protein product. Loss-of-function variants in RASA1 are known to be pathogenic (PMID: 24038909). This variant is not present in population databases (gnomAD no frequency). This premature translational stop signal has been observed in individual(s) with clinical features of capillary malformation-arteriovenous malformation (PMID: 29171923, 29891884). ClinVar contains an entry for this variant (Variation ID: 503721). For these reasons, this variant has been classified as Pathogenic.

Clinical Genomics Laboratory, Washington University in St. Louis
Classification: Pathogenic for Capillary malformation-arteriovenous malformation 1. Last evaluated: 2024-05-01. Review status: criteria provided, single submitter. Criteria: ACMG Guidelines, 2015. Collection method: clinical testing. Allele origin: germline. Affected: yes.
Comment: A RASA1 c.261_262del (p.Gly89Argfs*22) variant was identified at a heterozygous allelic fraction of 49.5%, a frequency which may be consistent with germline origin. This variant causes a frameshift by deleting two nucleotides, leading to a premature termination codon, which is predicted to lead to nonsense mediated decay. It has been reported in several individuals affected with Capillary malformation-arteriovenous malformation syndrome (4, 5, 6) and has been reported as a pathogenic germline variant in the ClinVar database by four submitters (ClinVar ID: 503721). The RASA1 c.261_262del (p.Gly89Argfs*22) variant is only observed on 1/152,130 alleles in the general population (gnomAD v.4.1.0), indicating it is not a common variant.. Based on available information and the ACMG/AMP guidelines for variant interpretation (7), this variant is classified as pathogenic.

Clinical Genetics Laboratory, Skane University Hospital Lund
Classification: Pathogenic. Last evaluated: 2022-05-27. Review status: criteria provided, single submitter. Criteria: ACMG Guidelines, 2015. Collection method: clinical testing. Allele origin: germline. Affected: yes.

GeneDx
Classification: Pathogenic. Last evaluated: 2021-02-08. Review status: criteria provided, single submitter. Criteria: GeneDx Variant Classification Process June 2021. Collection method: clinical testing. Allele origin: germline. Affected: yes.
Comment: Frameshift variant predicted to result in protein truncation or nonsense mediated decay in a gene for which loss-of-function is a known mechanism of disease; Not observed in large population cohorts (Lek et al., 2016); This variant is associated with the following publications: (PMID: 24268183, 29171923, 29891884)

Seattle Children's Hospital Molecular Genetics Laboratory, Seattle Children's Hospital
Classification: Pathogenic for Capillary malformation-arteriovenous malformation 1. Review status: criteria provided, single submitter. Criteria: ACMG Guidelines, 2015. Collection method: clinical testing. Allele origin: somatic. Affected: yes.
Comment: The somatic p.Gly89Argfs*22 variant is a frameshift variant predicted to be subjected to nonsense mediated decay and result in loss-of-function of RASA1. This variant has been reported in the medical literature in the heterozygous state in multiple unrelated individuals with suspected hemorrhagic hereditary telangiectasia, arteriovenous malformations, and abnormality of the cerebral vasculature (PMID: 29171923, PMID: 29891884, PMID: 34906519). The p.Gly89Argfs*22 variant is rare in the heterozygous state in large population studies (1 of 152,130 alleles, gnomAD v4.0.0; 1 of 490,756 alleles, AllofUs).

Clinical Genetics, Academic Medical Center
Classification: Pathogenic. Review status: no assertion criteria provided. Collection method: clinical testing. Allele origin: germline. Affected: yes. Study: VKGL Data-share Consensus. Not counted in ClinVar's aggregate classification.

Joint Genome Diagnostic Labs from Nijmegen and Maastricht, Radboudumc and MUMC+
Classification: Pathogenic. Review status: no assertion criteria provided. Collection method: clinical testing. Allele origin: germline. Affected: yes. Study: VKGL Data-share Consensus. Not counted in ClinVar's aggregate classification.

Literature cited by the submitters: PubMed 24038909 (cited by Labcorp Genetics (formerly Invitae), Labcorp); PubMed 29171923 (cited by Labcorp Genetics (formerly Invitae), Labcorp); PubMed 29891884 (cited by Labcorp Genetics (formerly Invitae), Labcorp).